The following is an entry in ClinVar:

ClinVar aggregate classification (germline): Pathogenic. Review status: criteria provided, multiple submitters, no conflicts (2 of 4 stars). 2 submissions from 2 submitters: Pathogenic (2). Last evaluated 2022-03-16.

Conditions:
KBG syndrome (KBGS). Also called: ANKRD11-Related KBG Syndrome. Identifiers: Orphanet 2332, MedGen C0220687, MONDO:0007846, OMIM 148050.

gnomAD v4.1: 1 of 1,611,860 alleles (0.000062%); highest among the groups gnomAD compares: Non-Finnish European, 0.000085%; no homozygotes.

Submissions (2):

Laboratory of Human Genetics, Universidade de São Paulo
Classification: Pathogenic for KBG syndrome. Last evaluated: 2022-03-16. Review status: criteria provided, single submitter. Criteria: ACMG Guidelines, 2015. Collection method: research. Allele origin: de novo. Affected: yes. Observed: 1 heterozygote.
Comment: This variant meets our criteria to be classified as pathogenic based upon segregation studies, low frequency in control samples, and in-silico evaluation of pathogenicity.

Baylor Genetics
Classification: Pathogenic for KBG syndrome. Last evaluated: 2018-09-14. Review status: criteria provided, single submitter. Criteria: ACMG Guidelines, 2015. Collection method: clinical testing. Allele origin: de novo. Affected: yes.
Comment: This variant was determined to be pathogenic according to ACMG Guidelines, 2015 [PMID:25741868].

NM_013275.6(ANKRD11):c.7519C>T (p.Gln2507Ter)

Gene: ANKRD11 (ankyrin repeat domain 11; minus strand). Cytogenetic location: 16q24.3.
Variant type: single nucleotide variant.
Coding change: c.7519C>T on transcript NM_013275.6 (MANE Select); coding-DNA position 7519, C replaced by T.
Protein change: p.Gln2507Ter; replaces glutamine 2507 with a stop codon.
Molecular consequence: nonsense.
Genome position (GRCh38, 1-based): chr16:89,275,143, G>A on the plus strand (C>T on the coding strand, the complement: ANKRD11 is on the minus strand). VCF-style: chr16-89275143-G-A. GRCh37 (hg19) VCF-style: chr16-89341551-G-A.
Other names: c.7519C>T, p.Gln2507Ter (NM_001256182.2, NM_001256183.2); short protein forms Q2507*.
Identifiers: ClinVar variation 1031774 (VCV001031774.3), dbSNP rs572878194, ClinGen allele CA8241117.